The following is an entry in ClinVar:

ClinVar aggregate classification (germline): Conflicting classifications of pathogenicity. Review status: criteria provided, conflicting classifications (1 of 4 stars). 3 submissions from 3 submitters: Uncertain significance (1); Likely benign (2). Last evaluated 2025-11-24.

Conditions:
Spastic paraplegia. Identifiers: MedGen C0037772, HP:0001258.

Allele frequency attached by ClinVar (database versions not stated): gnomAD exomes 0.00001.

Submissions (3):

Labcorp Genetics (formerly Invitae), Labcorp
Classification: Likely benign for Spastic paraplegia. Last evaluated: 2025-11-24. Review status: criteria provided, single submitter. Criteria: Invitae Variant Classification Sherloc (09022015). Collection method: clinical testing. Allele origin: germline.

Revvity Omics, Revvity
Classification: Uncertain significance. Last evaluated: 2023-08-29. Review status: criteria provided, single submitter. Criteria: ACMG Guidelines, 2015. Collection method: clinical testing. Allele origin: germline.

GeneDx
Classification: Likely benign. Last evaluated: 2016-04-18. Review status: criteria provided, single submitter. Criteria: GeneDx Variant Classification (06012015). Collection method: clinical testing. Allele origin: germline. Affected: yes.
Comment: This variant is considered likely benign or benign based on one or more of the following criteria: it is a conservative change, it occurs at a poorly conserved position in the protein, it is predicted to be benign by multiple in silico algorithms, and/or has population frequency not consistent with disease.

NM_004984.4(KIF5A):c.2993-6C>T

Gene: KIF5A (kinesin family member 5A; plus strand). Cytogenetic location: 12q13.3.
Variant type: single nucleotide variant.
Coding change: c.2993-6C>T on transcript NM_004984.4 (MANE Select); 6 bases into the intron before coding-DNA position 2993, C replaced by T.
Molecular consequence: intron variant.
Genome position (GRCh38, 1-based): chr12:57,582,596, C>T. VCF-style: chr12-57582596-C-T. GRCh37 (hg19) VCF-style: chr12-57976379-C-T.
Other names: c.2726-6C>T (NM_001354705.2).
Identifiers: ClinVar variation 385759 (VCV000385759.7), dbSNP rs1057522322, ClinGen allele CA16606594.
Genomic context (GRCh38, chr12:57,582,596, plus strand): 5'-TGTTTCTAACACCCAATCTCCTTTTTTCTTCTTCTAATCCTGTGTTCTCAATGATGATCT[C>T]TTCAGGAAATGCCACAGATATCAATGACAATAGGTACAACAGTCCCCACTACCCCTGGGT-3'